The following is an entry in ClinVar:

NM_000059.4(BRCA2):c.5707A>C (p.Ile1903Leu)

Gene: BRCA2 (BRCA2 DNA repair associated; plus strand). Cytogenetic location: 13q13.1.
Variant type: single nucleotide variant.
Coding change: c.5707A>C on transcript NM_000059.4 (MANE Select); coding-DNA position 5707, A replaced by C.
Protein change: p.Ile1903Leu; replaces isoleucine 1903 with leucine.
Molecular consequence: missense variant.
Genome position (GRCh38, 1-based): chr13:32,340,062, A>C. VCF-style: chr13-32340062-A-C. GRCh37 (hg19) VCF-style: chr13-32914199-A-C.
Other names: 5935A>C; short protein forms I1903L.
Identifiers: ClinVar variation 96824 (VCV000096824.13), dbSNP rs431825333, ClinGen allele CA023020.

ClinVar aggregate classification (germline): Conflicting classifications of pathogenicity. Review status: criteria provided, conflicting classifications (1 of 4 stars). 4 submissions from 4 submitters: Uncertain significance (2); Likely benign (1). 1 of the submissions does not count toward it. Last evaluated 2023-03-23.

Conditions:
Hereditary cancer-predisposing syndrome. Also called: Hereditary Cancer Syndrome; Neoplastic Syndromes, Hereditary; Hereditary neoplastic syndrome; Tumor predisposition. Identifiers: Orphanet 140162, MedGen C0027672, MeSH D009386, MONDO:0015356.
Hereditary breast ovarian cancer syndrome. Also called: Breast and ovarian cancer; Hereditary breast and/or ovarian cancer syndrome; Hereditary breast and ovarian cancer; Hereditary breast and ovarian cancer syndrome; Hereditary breast and ovarian cancer syndrome (HBOC); BRCA1- and BRCA2-Associated Hereditary Breast and Ovarian Cancer. Identifiers: Orphanet 145, MedGen C0677776, MeSH D061325, MONDO:0003582. Disease mechanism: loss of function.
Breast-ovarian cancer, familial, susceptibility to, 2 (BROVCA2). Also called: BRCA2 Hereditary Breast and Ovarian Cancer. Identifiers: Orphanet 145, MedGen C2675520, MONDO:0012933, OMIM 612555. Disease mechanism: loss of function.

Submissions (4):

University of Washington Department of Laboratory Medicine, University of Washington
Classification: Likely benign for Hereditary cancer-predisposing syndrome. Last evaluated: 2023-03-23. Review status: criteria provided, single submitter. Criteria: Dines et al. (Genet Med. 2020). Collection method: curation. Allele origin: germline.
Comment: Missense variant in a coldspot region where missense variants are very unlikely to be pathogenic (PMID:31911673).

BRCA2 exon 11 coldspot. Reclassification based on statistical prior probability.

Labcorp Genetics (formerly Invitae), Labcorp
Classification: Uncertain significance for Hereditary breast ovarian cancer syndrome. Last evaluated: 2021-09-19. Review status: criteria provided, single submitter. Criteria: Invitae Variant Classification Sherloc (09022015). Collection method: clinical testing. Allele origin: germline.
Comment: In summary, the available evidence is currently insufficient to determine the role of this variant in disease. Therefore, it has been classified as a Variant of Uncertain Significance. Advanced modeling of protein sequence and biophysical properties (such as structural, functional, and spatial information, amino acid conservation, physicochemical variation, residue mobility, and thermodynamic stability) performed at Invitae indicates that this missense variant is not expected to disrupt BRCA2 protein function. ClinVar contains an entry for this variant (Variation ID: 96824). This variant has not been reported in the literature in individuals affected with BRCA2-related conditions. This variant is not present in population databases (ExAC no frequency). This sequence change replaces isoleucine with leucine at codon 1903 of the BRCA2 protein (p.Ile1903Leu). The isoleucine residue is moderately conserved and there is a small physicochemical difference between isoleucine and leucine.

Ambry Genetics
Classification: Uncertain significance for Hereditary cancer-predisposing syndrome. Last evaluated: 2016-04-14. Review status: criteria provided, single submitter. Criteria: Ambry Variant Classification Scheme 2023. Collection method: clinical testing. Allele origin: germline.
Comment: The p.I1903L variant (also known as c.5707A>C), located in coding exon 10 of the BRCA2 gene, results from an A to C substitution at nucleotide position 5707. The isoleucine at codon 1903 is replaced by leucine, an amino acid with highly similar properties. This variant was not reported in population based cohorts in the following databases: Database of Single Nucleotide Polymorphisms (dbSNP), NHLBI Exome Sequencing Project (ESP), and 1000 Genomes Project. In the ESP, this variant was not observed in 6503 samples (13006 alleles) with coverage at this position. To date, this alteration has been detected with an allele frequency of approximately 0.0004% (greater than 225000 alleles tested) in our clinical cohort. This amino acid position is not well conserved in available vertebrate species. In addition, this alteration is predicted to be tolerated by in silico analysis. Since supporting evidence is limited at this time, the clinical significance of this alteration remains unclear.

Sharing Clinical Reports Project (SCRP)
Classification: Uncertain significance for Breast-ovarian cancer, familial 2. Last evaluated: 2010-05-05. Review status: no assertion criteria provided. Collection method: clinical testing. Allele origin: germline. Not counted in ClinVar's aggregate classification.